The following is an entry in ClinVar:

ClinVar aggregate classification (germline): Likely benign (0 of 4 stars; one submission).

Conditions:
PKD1L1-related disorder. Also called: PKD1L1-related condition.

Allele frequency attached by ClinVar (database versions not stated): gnomAD exomes 0.00001.
gnomAD v4.1: 5 of 1,613,296 alleles (0.00031%); highest among the groups gnomAD compares: Non-Finnish European, 0.00042%; no homozygotes.

Submission:

PreventionGenetics, part of Exact Sciences
Classification: Likely benign for PKD1L1-related condition. Last evaluated: 2021-04-14. Review status: no assertion criteria provided. Collection method: clinical testing. Allele origin: germline.
Comment: This variant is classified as likely benign based on ACMG/AMP sequence variant interpretation guidelines (Richards et al. 2015 PMID: 25741868, with internal and published modifications).

NM_138295.5(PKD1L1):c.3213A>G (p.Glu1071=)

Gene: PKD1L1 (polycystin 1 like 1, transient receptor potential channel interacting; minus strand). Cytogenetic location: 7p12.3.
Variant type: single nucleotide variant.
Coding change: c.3213A>G on transcript NM_138295.5 (MANE Select); coding-DNA position 3213, A replaced by G.
Protein change: p.Glu1071=; no amino-acid change (glutamic acid 1071 retained).
Molecular consequence: synonymous variant.
Genome position (GRCh38, 1-based): chr7:47,884,650, T>C on the plus strand (A>G on the coding strand, the complement: PKD1L1 is on the minus strand). VCF-style: chr7-47884650-T-C. GRCh37 (hg19) VCF-style: chr7-47924248-T-C.
Identifiers: ClinVar variation 3030481 (VCV003030481.2), dbSNP rs2484080770, ClinGen allele CA454916950.
Genomic context (GRCh38, chr7:47,884,650, plus strand): 5'-ACAGTCACCTGGCTGTCTTCCTCCCGATGGTATTGCTTCTTGAATGTCACTGTAATAGGC[T>C]TCAAAATCTATAAGAAAGGACAAAATCATAATGTTTCCTTTAAAATCACAGAATCCCCTG-3'
Protein context (NP_612152.1, residues 1061-1081): HSPDPHLSDF[Glu1071=]AYYSDIQEAI